The following is an entry in ClinVar:

NM_004385.5(VCAN):c.3075A>C (p.Lys1025Asn)

Gene: VCAN (versican; plus strand). Cytogenetic location: 5q14.3.
Variant type: single nucleotide variant.
Coding change: c.3075A>C on transcript NM_004385.5 (MANE Select); coding-DNA position 3075, A replaced by C.
Protein change: p.Lys1025Asn; replaces lysine 1025 with asparagine.
Molecular consequence: missense variant. On other transcripts: intron variant (2).
Genome position (GRCh38, 1-based): chr5:83,521,381, A>C. VCF-style: chr5-83521381-A-C. GRCh37 (hg19) VCF-style: chr5-82817200-A-C.
Other names: c.3075A>C, p.Lys1025Asn (NM_001164098.2); c.1042+8985A>C (NM_001164097.2, NM_001126336.3); short protein forms K1025N.
Identifiers: ClinVar variation 1350668 (VCV001350668.6), dbSNP rs370721609, ClinGen allele CA360305287.

ClinVar aggregate classification (germline): Uncertain significance (1 of 4 stars; one submission).

Submission:

Labcorp Genetics (formerly Invitae), Labcorp
Classification: Uncertain significance. Last evaluated: 2021-11-10. Review status: criteria provided, single submitter. Criteria: Invitae Variant Classification Sherloc (09022015). Collection method: clinical testing. Allele origin: germline.
Comment: In summary, the available evidence is currently insufficient to determine the role of this variant in disease. Therefore, it has been classified as a Variant of Uncertain Significance. Algorithms developed to predict the effect of missense changes on protein structure and function (SIFT, PolyPhen-2, Align-GVGD) all suggest that this variant is likely to be tolerated. This variant has not been reported in the literature in individuals affected with VCAN-related conditions. This variant is not present in population databases (gnomAD no frequency). This sequence change replaces lysine, which is basic and polar, with asparagine, which is neutral and polar, at codon 1025 of the VCAN protein (p.Lys1025Asn).